The following is an entry in ClinVar:

NM_152383.5(DIS3L2):c.2413C>T (p.His805Tyr)

Gene: DIS3L2 (DIS3 like 3'-5' exoribonuclease 2; plus strand). Cytogenetic location: 2q37.1.
Variant type: single nucleotide variant.
Coding change: c.2413C>T on transcript NM_152383.5 (MANE Select); coding-DNA position 2413, C replaced by T.
Protein change: p.His805Tyr; replaces histidine 805 with tyrosine.
Molecular consequence: missense variant. On other transcripts: non-coding transcript variant (2), intron variant (1).
Genome position (GRCh38, 1-based): chr2:232,335,791, C>T. VCF-style: chr2-232335791-C-T. GRCh37 (hg19) VCF-style: chr2-233200501-C-T.
Other names: c.1582-7554C>T (NM_001257281.2); short protein forms H805Y.
Identifiers: ClinVar variation 646685 (VCV000646685.8), dbSNP rs1302423283, ClinGen allele CA350978170.

ClinVar aggregate classification (germline): Uncertain significance (1 of 4 stars; one submission).

Conditions:
Perlman syndrome (PRLMNS). Identifiers: Orphanet 2849, MedGen C0796113, MONDO:0009965, OMIM 267000.

Allele frequency attached by ClinVar (database versions not stated): gnomAD exomes below 0.00001 and 0.00001; gnomAD 0.00001; TOPMed 0.00001.
gnomAD v4.1: 3 of 1,550,488 alleles (0.00019%); highest among the groups gnomAD compares: Admixed American, 0.002%; no homozygotes.

Submission:

Labcorp Genetics (formerly Invitae), Labcorp
Classification: Uncertain significance for Perlman syndrome. Last evaluated: 2025-07-21. Review status: criteria provided, single submitter. Criteria: Invitae Variant Classification Sherloc (09022015). Collection method: clinical testing. Allele origin: germline.
Comment: This sequence change replaces histidine, which is basic and polar, with tyrosine, which is neutral and polar, at codon 805 of the DIS3L2 protein (p.His805Tyr). This variant is present in population databases (no rsID available, gnomAD 0.004%). This variant has not been reported in the literature in individuals affected with DIS3L2-related conditions. ClinVar contains an entry for this variant (Variation ID: 646685). Invitae Evidence Modeling of protein sequence and biophysical properties (such as structural, functional, and spatial information, amino acid conservation, physicochemical variation, residue mobility, and thermodynamic stability) indicates that this missense variant is not expected to disrupt DIS3L2 protein function with a negative predictive value of 80%. In summary, the available evidence is currently insufficient to determine the role of this variant in disease. Therefore, it has been classified as a Variant of Uncertain Significance.